The following is an entry in ClinVar:

NM_006269.2(RP1):c.3014A>G (p.His1005Arg)

Gene: RP1 (RP1 axonemal microtubule associated; plus strand). Cytogenetic location: 8q12.1.
Variant type: single nucleotide variant.
Coding change: c.3014A>G on transcript NM_006269.2 (MANE Select); coding-DNA position 3014, A replaced by G.
Protein change: p.His1005Arg; replaces histidine 1005 with arginine.
Molecular consequence: missense variant. On other transcripts: intron variant (1).
Genome position (GRCh38, 1-based): chr8:54,626,896, A>G. VCF-style: chr8-54626896-A-G. GRCh37 (hg19) VCF-style: chr8-55539456-A-G.
Other names: c.787+4608A>G (NM_001375654.1); short protein forms H1005R.
Identifiers: ClinVar variation 2077052 (VCV002077052.4), dbSNP rs770785606, ClinGen allele CA4751624.

ClinVar aggregate classification (germline): Uncertain significance (1 of 4 stars; one submission).

Allele frequency attached by ClinVar (database versions not stated): gnomAD exomes below 0.00001; ExAC 0.00001.
gnomAD v4.1: 6 of 1,613,856 alleles (0.00037%); highest among the groups gnomAD compares: South Asian, 0.0011%; no homozygotes.

Submission:

Labcorp Genetics (formerly Invitae), Labcorp
Classification: Uncertain significance. Last evaluated: 2022-10-24. Review status: criteria provided, single submitter. Criteria: Invitae Variant Classification Sherloc (09022015). Collection method: clinical testing. Allele origin: germline.
Comment: This variant is present in population databases (rs770785606, gnomAD 0.003%). In summary, the available evidence is currently insufficient to determine the role of this variant in disease. Therefore, it has been classified as a Variant of Uncertain Significance. Algorithms developed to predict the effect of missense changes on protein structure and function output the following: SIFT: "Tolerated"; PolyPhen-2: "Benign"; Align-GVGD: "Class C0". The arginine amino acid residue is found in multiple mammalian species, which suggests that this missense change does not adversely affect protein function. This variant has not been reported in the literature in individuals affected with RP1-related conditions. This sequence change replaces histidine, which is basic and polar, with arginine, which is basic and polar, at codon 1005 of the RP1 protein (p.His1005Arg).